The following is an entry in ClinVar:

NM_001943.5(DSG2):c.2234C>T (p.Thr745Met)

Genes: DSG2 (desmoglein 2; plus strand), DSG2-AS1 (DSG2 antisense RNA 1; minus strand). Cytogenetic location: 18q12.1.
Variant type: single nucleotide variant.
Coding change: c.2234C>T on transcript NM_001943.5 (MANE Select); coding-DNA position 2234, C replaced by T.
Protein change: p.Thr745Met; replaces threonine 745 with methionine.
Molecular consequence: missense variant.
Genome position (GRCh38, 1-based): chr18:31,542,752, C>T. VCF-style: chr18-31542752-C-T. GRCh37 (hg19) VCF-style: chr18-29122715-C-T.
Other names: short protein forms T745M.
Identifiers: ClinVar variation 179312 (VCV000179312.32), dbSNP rs727504783, ClinGen allele CA021731.

ClinVar aggregate classification (germline): Conflicting classifications of pathogenicity. Review status: criteria provided, conflicting classifications (1 of 4 stars). 9 submissions from 9 submitters: Uncertain significance (2); Likely benign (5). 2 of the submissions do not count toward it. Last evaluated 2026-10-16.

Conditions:
Cardiovascular phenotype. Identifiers: MedGen CN230736.
Cardiomyopathy (CMYO). Also called: Cardiomyopathies. Identifiers: Orphanet 167848, MedGen C0878544, MONDO:0004994, HP:0001638. Inheritance: Various modes of inheritance.
Arrhythmogenic right ventricular dysplasia 10. Also called: Arrhythmogenic Right Ventricular Dysplasia/Cardiomyopathy10; ARRHYTHMOGENIC RIGHT VENTRICULAR DYSPLASIA, FAMILIAL, 10; Arrhythmogenic right ventricular dysplasia/cardiomyopathy, type 10. Identifiers: MedGen C1857777, MONDO:0012434, OMIM 610193.

Allele frequency attached by ClinVar (database versions not stated): gnomAD 0.00003; TOPMed 0.00003.
gnomAD v4.1: 50 of 1,613,880 alleles (0.0031%); highest among the groups gnomAD compares: Admixed American, 0.01%; no homozygotes.

Submissions (9):

GeneDx
Classification: Uncertain significance. Last evaluated: 2026-10-16. Review status: criteria provided, single submitter. Criteria: GeneDx Variant Classification Process June 2021. Collection method: clinical testing. Allele origin: germline.
Comment: Has not been previously published as pathogenic or benign to our knowledge; In silico analysis suggests that this missense variant does not alter protein structure/function

Labcorp Genetics (formerly Invitae), Labcorp
Classification: Likely benign for Arrhythmogenic right ventricular dysplasia 10. Last evaluated: 2026-01-15. Review status: criteria provided, single submitter. Criteria: Invitae Variant Classification Sherloc (09022015). Collection method: clinical testing. Allele origin: germline.

ARUP Laboratories, Molecular Genetics and Genomics, ARUP Laboratories
Classification: Likely benign. Last evaluated: 2025-04-28. Review status: criteria provided, single submitter. Criteria: ARUP Molecular Germline Variant Investigation Process 2024. Collection method: clinical testing. Allele origin: germline.

Color Diagnostics, LLC DBA Color Health
Classification: Likely benign for Cardiomyopathy. Last evaluated: 2024-08-29. Review status: criteria provided, single submitter. Criteria: ACMG Guidelines, 2015. Collection method: clinical testing. Allele origin: germline.

Ambry Genetics
Classification: Likely benign for Cardiovascular phenotype. Last evaluated: 2022-11-18. Review status: criteria provided, single submitter. Criteria: Ambry Variant Classification Scheme 2023. Collection method: clinical testing. Allele origin: germline.

Illumina Laboratory Services, Illumina
Classification: Uncertain significance for Arrhythmogenic right ventricular dysplasia 10. Last evaluated: 2018-01-13. Review status: criteria provided, single submitter. Criteria: ICSL Variant Classification Criteria 13 December 2019. Collection method: clinical testing. Allele origin: germline.

Laboratory for Molecular Medicine, Mass General Brigham Personalized Medicine
Classification: Likely benign. Last evaluated: 2013-10-15. Review status: criteria provided, single submitter. Criteria: LMM Criteria. Collection method: clinical testing. Allele origin: germline. Observed: 1 variant allele.
Comment: Thr745Met in exon 14 of DSG2: This variant is not expected to have clinical sign ificance due to a lack of conservation across species, including mammals. Of not e, 10 other species including mammals have a methionine (Met) at this position. In addition, computational analyses (AlignGVGD, PolyPhen2, SIFT) do not suggest a high likelihood of impact to the protein.

Clinical Genetics DNA and cytogenetics Diagnostics Lab, Erasmus MC, Erasmus Medical Center
Classification: Likely benign. Review status: no assertion criteria provided. Collection method: clinical testing. Allele origin: germline. Affected: yes. Study: VKGL Data-share Consensus. Not counted in ClinVar's aggregate classification.

Joint Genome Diagnostic Labs from Nijmegen and Maastricht, Radboudumc and MUMC+
Classification: Likely benign. Review status: no assertion criteria provided. Collection method: clinical testing. Allele origin: germline. Affected: yes. Study: VKGL Data-share Consensus. Not counted in ClinVar's aggregate classification.